The following is an entry in ClinVar:

NM_000138.5(FBN1):c.2649G>A (p.Trp883Ter)

Gene: FBN1 (fibrillin 1; minus strand). Cytogenetic location: 15q21.1.
Variant type: single nucleotide variant.
Coding change: c.2649G>A on transcript NM_000138.5 (MANE Select); coding-DNA position 2649, G replaced by A.
Protein change: p.Trp883Ter; replaces tryptophan 883 with a stop codon.
Molecular consequence: nonsense.
Genome position (GRCh38, 1-based): chr15:48,495,151, C>T on the plus strand (G>A on the coding strand, the complement: FBN1 is on the minus strand). VCF-style: chr15-48495151-C-T. GRCh37 (hg19) VCF-style: chr15-48787348-C-T.
Other names: short protein forms W883*.
Identifiers: ClinVar variation 654218 (VCV000654218.11), dbSNP rs1597568822, ClinGen allele CA392332126.

ClinVar aggregate classification (germline): Pathogenic. Review status: criteria provided, single submitter (1 of 4 stars). 2 submissions from 2 submitters: Pathogenic (1). 1 of the submissions does not count toward it. Last evaluated 2023-12-14.

Conditions:
Familial thoracic aortic aneurysm and aortic dissection (TAAD). Also called: Thoracic aortic aneurysms and dissections. Identifiers: Orphanet 91387, MedGen C4707243, MONDO:0019625.
Marfan syndrome (MFS). Also called: FBN1-Related Marfan Syndrome; Marfan syndrome type 1; Marfan's syndrome; Marfan syndrome, classic; MARFAN SYNDROME, TYPE I. Identifiers: Orphanet 284963, Orphanet 558, MedGen C0024796, MONDO:0007947, OMIM 154700.
Congenital scoliosis. Identifiers: MedGen C0559260.

Submissions (2):

Labcorp Genetics (formerly Invitae), Labcorp
Classification: Pathogenic for Marfan syndrome; Familial thoracic aortic aneurysm and aortic dissection. Last evaluated: 2023-12-14. Review status: criteria provided, single submitter. Criteria: Invitae Variant Classification Sherloc (09022015). Collection method: clinical testing. Allele origin: germline.
Comment: This sequence change creates a premature translational stop signal (p.Trp883*) in the FBN1 gene. It is expected to result in an absent or disrupted protein product. Loss-of-function variants in FBN1 are known to be pathogenic (PMID: 17657824, 19293843). This variant is not present in population databases (gnomAD no frequency). This premature translational stop signal has been observed in individuals with Marfan syndrome (PMID: 26787436). ClinVar contains an entry for this variant (Variation ID: 654218). For these reasons, this variant has been classified as Pathogenic.

Beijing Key Laboratory for Genetic Research of Skeletal Deformity, Peking Union Medical College Hospital
Classification: Pathogenic for Congenital scoliosis. Last evaluated: 2019-06-12. Review status: no assertion criteria provided. Collection method: research. Allele origin: germline. Affected: yes. Not counted in ClinVar's aggregate classification.

Literature cited by the submitters: PubMed 17657824 (cited by Labcorp Genetics (formerly Invitae), Labcorp); PubMed 19293843 (cited by Labcorp Genetics (formerly Invitae), Labcorp); PubMed 26787436 (cited by Labcorp Genetics (formerly Invitae), Labcorp).